The following is an entry in ClinVar:

NM_198578.4(LRRK2):c.3200G>T (p.Arg1067Leu)

Gene: LRRK2 (leucine rich repeat kinase 2; plus strand). Cytogenetic location: 12q12.
Variant type: single nucleotide variant.
Coding change: c.3200G>T on transcript NM_198578.4 (MANE Select); coding-DNA position 3200, G replaced by T.
Protein change: p.Arg1067Leu; replaces arginine 1067 with leucine.
Molecular consequence: missense variant.
Genome position (GRCh38, 1-based): chr12:40,298,346, G>T. VCF-style: chr12-40298346-G-T. GRCh37 (hg19) VCF-style: chr12-40692148-G-T.
Other names: short protein forms R1067L.
Identifiers: ClinVar variation 3291927 (VCV003291927.1).

ClinVar aggregate classification (germline): Uncertain significance (1 of 4 stars; one submission).

Conditions:
Inborn genetic diseases. Identifiers: MedGen C0950123, MeSH D030342.

Submission:

Ambry Genetics
Classification: Uncertain significance for Inborn genetic diseases. Last evaluated: 2024-03-19. Review status: criteria provided, single submitter. Criteria: Ambry Variant Classification Scheme 2023. Collection method: clinical testing. Allele origin: germline.
Comment: The p.R1067L variant (also known as c.3200G>T), located in coding exon 24 of the LRRK2 gene, results from a G to T substitution at nucleotide position 3200. The arginine at codon 1067 is replaced by leucine, an amino acid with dissimilar properties. This amino acid position is conserved. In addition, the in silico prediction for this alteration is inconclusive. Based on the available evidence, the clinical significance of this alteration remains unclear.